The following is an entry in ClinVar:

NM_000540.3(RYR1):c.9716T>A (p.Met3239Lys)

Gene: RYR1 (ryanodine receptor 1; plus strand). Cytogenetic location: 19q13.2.
Variant type: single nucleotide variant.
Coding change: c.9716T>A on transcript NM_000540.3 (MANE Select); coding-DNA position 9716, T replaced by A.
Protein change: p.Met3239Lys; replaces methionine 3239 with lysine.
Molecular consequence: missense variant.
Genome position (GRCh38, 1-based): chr19:38,517,389, T>A. VCF-style: chr19-38517389-T-A. GRCh37 (hg19) VCF-style: chr19-39008029-T-A.
Other names: c.9716T>A, p.Met3239Lys (NM_001042723.2); short protein forms M3239K.
Identifiers: ClinVar variation 617753 (VCV000617753.9), dbSNP rs371027185, ClinGen allele CA074078.

ClinVar aggregate classification (germline): Uncertain significance. Review status: criteria provided, single submitter (1 of 4 stars). 2 submissions from 2 submitters: Uncertain significance (1). 1 of the submissions does not count toward it. Last evaluated 2024-09-04.

Conditions:
RYR1-related disorder. Also called: RYR1-related disorders; RYR1-related condition. Identifiers: MedGen CN239331.
Congenital multicore myopathy with external ophthalmoplegia (CMYO1B). Also called: MULTICORE MYOPATHY; MULTIMINICORE DISEASE WITH EXTERNAL OPHTHALMOPLEGIA; Minicore myopathy with external ophthalmoplegia; Congenital myopathy 1B, autosomal recessive; Minicore myopathy. Identifiers: Orphanet 598, Orphanet 98905, MedGen C1850674, MONDO:0009712, OMIM 255320, HP:0003789.

Allele frequency attached by ClinVar (database versions not stated): TOPMed below 0.00001; gnomAD 0.00001; gnomAD exomes 0.00001; ExAC 0.00002; ESP Exome Variant Server 0.00008.
gnomAD v4.1: 2 of 1,613,732 alleles (0.00012%); highest among the groups gnomAD compares: African/African-American, 0.0027%; no homozygotes.

Submissions (2):

Labcorp Genetics (formerly Invitae), Labcorp
Classification: Uncertain significance for RYR1-related disorder. Last evaluated: 2024-09-04. Review status: criteria provided, single submitter. Criteria: Invitae Variant Classification Sherloc (09022015). Collection method: clinical testing. Allele origin: germline.
Comment: This sequence change replaces methionine, which is neutral and non-polar, with lysine, which is basic and polar, at codon 3239 of the RYR1 protein (p.Met3239Lys). This variant is present in population databases (rs371027185, gnomAD 0.01%). This missense change has been observed in individuals with autosomal recessive congenital myopathy (PMID: 29556213). ClinVar contains an entry for this variant (Variation ID: 617753). Invitae Evidence Modeling of protein sequence and biophysical properties (such as structural, functional, and spatial information, amino acid conservation, physicochemical variation, residue mobility, and thermodynamic stability) has been performed for this missense variant. However, the output from this modeling did not meet the statistical confidence thresholds required to predict the impact of this variant on RYR1 protein function. In summary, the available evidence is currently insufficient to determine the role of this variant in disease. Therefore, it has been classified as a Variant of Uncertain Significance.

Department of Rehabilitation Medicine, Incheon St. Mary’s Hospital, College of Medicine, The Catholic University of Korea
Classification: Likely pathogenic for Congenital multicore myopathy with external ophthalmoplegia. Last evaluated: 2019-02-08. Review status: no assertion criteria provided. Collection method: research. Allele origin: maternal. Inheritance: Autosomal recessive inheritance. Affected: yes. Observed: 1 compound heterozygote. Not counted in ClinVar's aggregate classification.

Literature cited by the submitters: PubMed 29556213 (cited by Labcorp Genetics (formerly Invitae), Labcorp).